The following is an entry in ClinVar:

ClinVar aggregate classification (germline): Benign/Likely benign. Review status: criteria provided, multiple submitters, no conflicts (2 of 4 stars). 9 submissions from 9 submitters: Benign (3); Likely benign (5). 1 of the submissions does not count toward it. Last evaluated 2026-01-17.

Conditions:
TSC2-related disorder. Also called: TSC2-Related Disorders; TSC2-related condition.
Hereditary cancer-predisposing syndrome. Also called: Hereditary Cancer Syndrome; Neoplastic Syndromes, Hereditary; Hereditary neoplastic syndrome; Tumor predisposition. Identifiers: Orphanet 140162, MedGen C0027672, MeSH D009386, MONDO:0015356.
Tuberous sclerosis syndrome (TSC). Also called: Tuberous Sclerosis Complex; Tuberous sclerosis. Identifiers: Orphanet 805, MedGen C0041341, MONDO:0001734.
Tuberous sclerosis 2 (TSC2). Identifiers: Orphanet 805, MedGen C1860707, MONDO:0013199, OMIM 613254.

Allele frequency attached by ClinVar (database versions not stated): gnomAD 0.00001; ExAC 0.00003; TOPMed 0.00003; gnomAD exomes 0.00007.
gnomAD v4.1: 20 of 1,612,422 alleles (0.0012%); highest among the groups gnomAD compares: Admixed American, 0.027%; no homozygotes.

Submissions (9):

Labcorp Genetics (formerly Invitae), Labcorp
Classification: Benign for Tuberous sclerosis 2. Last evaluated: 2026-01-17. Review status: criteria provided, single submitter. Criteria: Invitae Variant Classification Sherloc (09022015). Collection method: clinical testing. Allele origin: germline.

Women's Health and Genetics/Laboratory Corporation of America, LabCorp
Classification: Likely benign. Last evaluated: 2025-12-30. Review status: criteria provided, single submitter. Criteria: LabCorp Variant Classification Summary - May 2015. Collection method: clinical testing. Allele origin: germline.
Comment: Variant summary: TSC2 c.3793C>T (p.Pro1265Ser) results in a non-conservative amino acid change in the encoded protein sequence. Algorithms developed to predict the effect of missense changes on protein structure and function are either unavailable or do not agree on the potential impact of this missense change. The variant allele was found at a frequency of 6.8e-05 in 249842 control chromosomes, predominantly at a frequency of 0.00046 within the Latino subpopulation in the gnomAD database. The observed variant frequency within Latino control individuals in the gnomAD database exceeds the estimated maximal expected allele frequency for disease-causing variants in TSC2. To our knowledge, no occurrence of c.3793C>T in individuals affected with TSC2-related conditions and no experimental evidence demonstrating its impact on protein function have been reported. ClinVar contains an entry for this variant (Variation ID: 50020). Based on the evidence outlined above, the variant was classified as likely benign.

PreventionGenetics, part of Exact Sciences
Classification: Likely benign for TSC2-related condition. Last evaluated: 2025-10-02. Review status: criteria provided, single submitter. Criteria: ACMG Guidelines, 2015. Collection method: clinical testing. Allele origin: germline.
Comment: This variant is classified as likely benign based on ACMG/AMP sequence variant interpretation guidelines (Richards et al. 2015 PMID: 25741868, with internal and published modifications).

Color Diagnostics, LLC DBA Color Health
Classification: Likely benign for Tuberous sclerosis syndrome. Last evaluated: 2022-10-03. Review status: criteria provided, single submitter. Criteria: ACMG Guidelines, 2015. Collection method: clinical testing. Allele origin: germline.

Genome-Nilou Lab
Classification: Benign for Tuberous sclerosis 2. Last evaluated: 2021-11-07. Review status: criteria provided, single submitter. Criteria: ACMG Guidelines, 2015. Collection method: clinical testing. Allele origin: germline. Affected: no.

GeneDx
Classification: Benign. Last evaluated: 2020-12-07. Review status: criteria provided, single submitter. Criteria: GeneDx Variant Classification Process June 2021. Collection method: clinical testing. Allele origin: germline. Affected: yes.

Ambry Genetics
Classification: Likely benign for Hereditary cancer-predisposing syndrome. Last evaluated: 2020-02-10. Review status: criteria provided, single submitter. Criteria: Ambry Variant Classification Scheme 2023. Collection method: clinical testing. Allele origin: germline.

Johns Hopkins Genomics, Johns Hopkins University
Classification: Likely benign for Tuberous sclerosis 2. Last evaluated: 2019-12-03. Review status: criteria provided, single submitter. Criteria: ACMG Guidelines, 2015. Collection method: clinical testing. Allele origin: germline.

Tuberous sclerosis database (TSC2)
No classification provided. Condition: TSC. Review status: no classification provided. Criteria: Tuberous Sclerosis Database Assertion Criteria 2015. Collection method: curation. Allele origin: germline. Affected: yes. Not counted in ClinVar's aggregate classification.

NM_000548.5(TSC2):c.3793C>T (p.Pro1265Ser)

Gene: TSC2 (TSC complex subunit 2; plus strand). Cytogenetic location: 16p13.3.
Variant type: single nucleotide variant.
Coding change: c.3793C>T on transcript NM_000548.5 (MANE Select); coding-DNA position 3793, C replaced by T.
Protein change: p.Pro1265Ser; replaces proline 1265 with serine.
Molecular consequence: missense variant.
Genome position (GRCh38, 1-based): chr16:2,081,777, C>T. VCF-style: chr16-2081777-C-T. GRCh37 (hg19) VCF-style: chr16-2131778-C-T.
Other names: c.3661C>T, p.Pro1221Ser (NM_001077183.3, NM_001370404.1); c.3793C>T, p.Pro1265Ser (NM_001114382.3); c.3553C>T, p.Pro1185Ser (NM_001318827.2); c.3517C>T, p.Pro1173Ser (NM_001318829.2); c.3061C>T, p.Pro1021Ser (NM_001318831.2); c.3694C>T, p.Pro1232Ser (NM_001318832.2); c.3664C>T, p.Pro1222Ser (NM_001363528.2, NM_001370405.1, NM_021055.3); short protein forms P1265S, P1221S, P1222S, P1021S, P1173S, P1232S, P1185S.
Identifiers: ClinVar variation 50020 (VCV000050020.23), dbSNP rs45517311, ClinGen allele CA019552.